The following is an entry in ClinVar:

NM_001375834.1(WIPF1):c.941G>A (p.Ser314Asn)

Gene: WIPF1 (WAS/WASL interacting protein family member 1; minus strand). Cytogenetic location: 2q31.1.
Variant type: single nucleotide variant.
Coding change: c.941G>A on transcript NM_001375834.1 (MANE Select); coding-DNA position 941, G replaced by A.
Protein change: p.Ser314Asn; replaces serine 314 with asparagine.
Molecular consequence: missense variant.
Genome position (GRCh38, 1-based): chr2:174,571,864, C>T on the plus strand (G>A on the coding strand, the complement: WIPF1 is on the minus strand). VCF-style: chr2-174571864-C-T. GRCh37 (hg19) VCF-style: chr2-175436592-C-T.
Other names: c.941G>A, p.Ser314Asn (NM_001077269.1, NM_001375832.1, NM_001375833.1 and 5 more transcripts); c.563G>A, p.Ser188Asn (NM_001375839.1); short protein forms S314N, S188N.
Identifiers: ClinVar variation 2010675 (VCV002010675.4), dbSNP rs929519056, ClinGen allele CA60843118.

ClinVar aggregate classification (germline): Uncertain significance (1 of 4 stars; one submission).

Conditions:
Wiskott-Aldrich syndrome 2 (WAS2). Also called: WIPF1 DEFICIENCY. Identifiers: Orphanet 906, MedGen C3281001, MONDO:0013779, OMIM 614493.

Submission:

Labcorp Genetics (formerly Invitae), Labcorp
Classification: Uncertain significance for Wiskott-Aldrich syndrome 2. Last evaluated: 2025-11-03. Review status: criteria provided, single submitter. Criteria: Invitae Variant Classification Sherloc (09022015). Collection method: clinical testing. Allele origin: germline.
Comment: This sequence change replaces serine, which is neutral and polar, with asparagine, which is neutral and polar, at codon 314 of the WIPF1 protein (p.Ser314Asn). This variant is not present in population databases (gnomAD no frequency). This variant has not been reported in the literature in individuals affected with WIPF1-related conditions. ClinVar contains an entry for this variant (Variation ID: 2010675). An algorithm developed to predict the effect of missense changes on protein structure and function outputs the following: PolyPhen-2: "Benign". The asparagine amino acid residue is found in multiple mammalian species, which suggests that this missense change does not adversely affect protein function. In summary, the available evidence is currently insufficient to determine the role of this variant in disease. Therefore, it has been classified as a Variant of Uncertain Significance.